The following is an entry in ClinVar:

NM_001024843.2(TNRC6B):c.24A>G (p.Val8=)

Gene: TNRC6B (trinucleotide repeat containing adaptor 6B; plus strand). Cytogenetic location: 22q13.1.
Variant type: single nucleotide variant.
Coding change: c.24A>G on transcript NM_001024843.2; coding-DNA position 24, A replaced by G.
Protein change: p.Val8=; no amino-acid change (valine 8 retained).
Molecular consequence: synonymous variant.
Genome position (GRCh38, 1-based): chr22:40,125,841, A>G. VCF-style: chr22-40125841-A-G. GRCh37 (hg19) VCF-style: chr22-40521845-A-G.
Identifiers: ClinVar variation 5038757 (VCV005038757.1).

ClinVar aggregate classification (germline): Likely benign (1 of 4 stars; one submission).

gnomAD v4.1: 13 of 1,612,690 alleles (0.00081%); highest among the groups gnomAD compares: Non-Finnish European, 0.0011%; no homozygotes.

Submission:

CeGaT Center for Human Genetics Tuebingen
Classification: Likely benign. Last evaluated: 2026-08-01. Review status: criteria provided, single submitter. Criteria: CeGaT Center For Human Genetics Tuebingen Variant Classification Criteria Version 2. Collection method: clinical testing. Allele origin: germline. Affected: yes. Observed: 1 variant allele.
Comment: TNRC6B: BP4, BP7